The following is an entry in ClinVar:

NM_003482.4(KMT2D):c.15175C>T (p.His5059Tyr)

Gene: KMT2D (lysine methyltransferase 2D; minus strand). Cytogenetic location: 12q13.12.
Variant type: single nucleotide variant.
Coding change: c.15175C>T on transcript NM_003482.4 (MANE Select); coding-DNA position 15175, C replaced by T.
Protein change: p.His5059Tyr; replaces histidine 5059 with tyrosine.
Molecular consequence: missense variant.
Genome position (GRCh38, 1-based): chr12:49,026,791, G>A on the plus strand (C>T on the coding strand, the complement: KMT2D is on the minus strand). VCF-style: chr12-49026791-G-A. GRCh37 (hg19) VCF-style: chr12-49420574-G-A.
Other names: short protein forms H5059Y.
Identifiers: ClinVar variation 1326180 (VCV001326180.2), dbSNP rs2120362931, ClinGen allele CA384689388.

ClinVar aggregate classification (germline): Uncertain significance (1 of 4 stars; one submission).

Submission:

GeneDx
Classification: Uncertain significance. Last evaluated: 2021-05-17. Review status: criteria provided, single submitter. Criteria: GeneDx Variant Classification Process June 2021. Collection method: clinical testing. Allele origin: germline. Affected: yes.
Comment: Not observed in large population cohorts (Lek et al., 2016); In silico analysis supports that this missense variant has a deleterious effect on protein structure/function; Has not been previously published as pathogenic or benign to our knowledge